The following is an entry in ClinVar:

NM_001903.5(CTNNA1):c.341A>G (p.Asp114Gly)

Gene: CTNNA1 (catenin alpha 1; plus strand). Cytogenetic location: 5q31.2.
Variant type: single nucleotide variant.
Coding change: c.341A>G on transcript NM_001903.5 (MANE Select); coding-DNA position 341, A replaced by G.
Protein change: p.Asp114Gly; replaces aspartic acid 114 with glycine.
Molecular consequence: missense variant. On other transcripts: intron variant (1).
Genome position (GRCh38, 1-based): chr5:138,810,077, A>G. VCF-style: chr5-138810077-A-G. GRCh37 (hg19) VCF-style: chr5-138145766-A-G.
Other names: c.341A>G, p.Asp114Gly (NM_001290307.3, NM_001323982.2, NM_001323983.1 and 3 more transcripts); c.32A>G, p.Asp11Gly (NM_001290309.3); c.-5-24A>G (NM_001290310.3); short protein forms D114G, D11G.
Identifiers: ClinVar variation 3359674 (VCV003359674.1).

ClinVar aggregate classification (germline): Uncertain significance (1 of 4 stars; one submission).

Submission:

GeneDx
Classification: Uncertain significance. Last evaluated: 2023-06-16. Review status: criteria provided, single submitter. Criteria: GeneDx Variant Classification Process June 2021. Collection method: clinical testing. Allele origin: germline. Affected: yes.
Comment: Not observed at significant frequency in large population cohorts (gnomAD); In silico analysis supports that this missense variant has a deleterious effect on protein structure/function; Has not been previously published as pathogenic or benign to our knowledge